The following is an entry in ClinVar:

NM_014989.7(RIMS1):c.4430A>C (p.Glu1477Ala)

Gene: RIMS1 (regulating synaptic membrane exocytosis 1; plus strand). Cytogenetic location: 6q13.
Variant type: single nucleotide variant.
Coding change: c.4430A>C on transcript NM_014989.7 (MANE Select); coding-DNA position 4430, A replaced by C.
Protein change: p.Glu1477Ala; replaces glutamic acid 1477 with alanine.
Molecular consequence: missense variant.
Genome position (GRCh38, 1-based): chr6:72,390,661, A>C. VCF-style: chr6-72390661-A-C. GRCh37 (hg19) VCF-style: chr6-73100363-A-C.
Other names: c.2390A>C, p.Glu797Ala (NM_001168407.2); c.1805A>C, p.Glu602Ala (NM_001168408.2, NM_001350430.2); c.1634A>C, p.Glu545Ala (NM_001168409.2); c.1832A>C, p.Glu611Ala (NM_001168410.2); c.11A>C, p.Glu4Ala (NM_001168411.2); c.2351A>C, p.Glu784Ala (NM_001350414.2); c.2447A>C, p.Glu816Ala (NM_001350415.2); c.2396A>C, p.Glu799Ala (NM_001350416.2); and 54 more; short protein forms E578A, E595A, E613A, E625A, E686A, E692A, E707A, E713A.
Identifiers: ClinVar variation 2069793 (VCV002069793.4), dbSNP rs2552251472, ClinGen allele CA364819114.

ClinVar aggregate classification (germline): Uncertain significance (1 of 4 stars; one submission).

Submission:

Labcorp Genetics (formerly Invitae), Labcorp
Classification: Uncertain significance. Last evaluated: 2022-01-02. Review status: criteria provided, single submitter. Criteria: Invitae Variant Classification Sherloc (09022015). Collection method: clinical testing. Allele origin: germline.
Comment: This sequence change replaces glutamic acid, which is acidic and polar, with alanine, which is neutral and non-polar, at codon 1477 of the RIMS1 protein (p.Glu1477Ala). This variant is not present in population databases (gnomAD no frequency). This variant has not been reported in the literature in individuals affected with RIMS1-related conditions. Algorithms developed to predict the effect of missense changes on protein structure and function are either unavailable or do not agree on the potential impact of this missense change (SIFT: "Deleterious"; PolyPhen-2: "Probably Damaging"; Align-GVGD: "Class C0"). In summary, the available evidence is currently insufficient to determine the role of this variant in disease. Therefore, it has been classified as a Variant of Uncertain Significance.